The following is an entry in ClinVar:

NM_014140.4(SMARCAL1):c.395_411del (p.Glu132fs)

Gene: SMARCAL1 (SNF2 related chromatin remodeling annealing helicase 1; plus strand). Cytogenetic location: 2q35.
Variant type: Deletion.
Coding change: c.395_411del on transcript NM_014140.4 (MANE Select); coding-DNA positions 395 to 411, 17 bases deleted (AGGTCCCTAAACAACAG).
Protein change: p.Glu132fs; shifts the reading frame from glutamic acid 132.
Molecular consequence: frameshift variant.
Genome position (GRCh38, 1-based): chr2:216,415,099-216,415,115, AGGTCCCTAAACAACAG deleted; deleting any 17 consecutive bases within chr2:216,415,096-216,415,115 gives the same sequence; the c. name uses the placement nearest the transcript's 3' end. VCF-style (leftmost placement, unchanged base first): chr2-216415095-CCAGAGGTCCCTAAACAA-C. GRCh37 (hg19) VCF-style: chr2-217279818-CCAGAGGTCCCTAAACAA-C.
Other names: c.395_411del, p.Glu132fs (NM_001127207.2); short protein forms E132fs.
Identifiers: ClinVar variation 4716790 (VCV004716790.1).

ClinVar aggregate classification (germline): Pathogenic (1 of 4 stars; one submission).

Conditions:
Schimke immuno-osseous dysplasia (SIOD). Also called: Schimke Immunoosseous Dysplasia. Identifiers: Orphanet 1830, MedGen C0877024, MONDO:0009458, OMIM 242900.

Submission:

Labcorp Genetics (formerly Invitae), Labcorp
Classification: Pathogenic for Schimke immuno-osseous dysplasia. Last evaluated: 2025-09-30. Review status: criteria provided, single submitter. Criteria: Invitae Variant Classification Sherloc (09022015). Collection method: clinical testing. Allele origin: germline.
Comment: This sequence change creates a premature translational stop signal (p.Glu132Alafs*5) in the SMARCAL1 gene. It is expected to result in an absent or disrupted protein product. Loss-of-function variants in SMARCAL1 are known to be pathogenic (PMID: 11799392, 20301550). This variant is not present in population databases (gnomAD no frequency). This variant has not been reported in the literature in individuals affected with SMARCAL1-related conditions. For these reasons, this variant has been classified as Pathogenic.

Literature cited by the submitters: PubMed 11799392; PubMed 20301550.